The following is an entry in ClinVar:

ClinVar aggregate classification (germline): Conflicting classifications of pathogenicity. Review status: criteria provided, conflicting classifications (1 of 4 stars). 2 submissions from 2 submitters: Likely pathogenic (1); Uncertain significance (1). Last evaluated 2026-03-13.

Conditions:
Hereditary nonpolyposis colorectal neoplasms. Identifiers: MedGen C0009405, MeSH D003123.
Lynch syndrome 4 (LYNCH4). Also called: Hereditary non-polyposis colorectal cancer, type 4; Colorectal cancer, hereditary nonpolyposis, type 4. Identifiers: Orphanet 144, MedGen C1838333, MONDO:0013699, OMIM 614337. Disease mechanism: loss of function.

Submissions (2):

Myriad Genetics, Inc.
Classification: Likely pathogenic for Lynch syndrome 4. Last evaluated: 2026-03-13. Review status: criteria provided, single submitter. Criteria: Myriad Autosomal Dominant, Autosomal Recessive and X-Linked Classification Criteria (2023). Collection method: clinical testing. Allele origin: unknown.
Comment: This variant is considered likely pathogenic. mRNA analysis has demonstrated abnormal mRNA splicing occurs [Myriad internal data].

Labcorp Genetics (formerly Invitae), Labcorp
Classification: Uncertain significance for Hereditary nonpolyposis colorectal neoplasms. Last evaluated: 2021-03-13. Review status: criteria provided, single submitter. Criteria: Invitae Variant Classification Sherloc (09022015). Collection method: clinical testing. Allele origin: germline.
Comment: This sequence change falls in intron 4 of the PMS2 gene. It does not directly change the encoded amino acid sequence of the PMS2 protein. It affects a nucleotide within the consensus splice site of the intron. This variant is not present in population databases (ExAC no frequency). This variant has not been reported in the literature in individuals with PMS2-related conditions. Nucleotide substitutions within the consensus splice site are a relatively common cause of aberrant splicing (PMID: 17576681, 9536098). Algorithms developed to predict the effect of sequence changes on RNA splicing suggest that this variant may disrupt the consensus splice site, but this prediction has not been confirmed by published transcriptional studies. In summary, the available evidence is currently insufficient to determine the role of this variant in disease. Therefore, it has been classified as a Variant of Uncertain Significance.

Literature cited by the submitters: PubMed 17576681 (cited by Labcorp Genetics (formerly Invitae), Labcorp); PubMed 9536098 (cited by Labcorp Genetics (formerly Invitae), Labcorp).

NM_000535.7(PMS2):c.353+4del

Gene: PMS2 (PMS1 homolog 2, mismatch repair system component; minus strand). Cytogenetic location: 7p22.1.
Variant type: Deletion.
Coding change: c.353+4del on transcript NM_000535.7 (MANE Select); 4 bases into the intron after coding-DNA position 353, one base deleted (A; older notation c.353+4delA).
Molecular consequence: intron variant.
Genome position (GRCh38, 1-based): chr7:6,003,686, T deleted on the plus strand (A on the coding strand, the reverse complement: PMS2 is on the minus strand). VCF-style (leftmost placement, unchanged base first): chr7-6003685-AT-A. GRCh37 (hg19) VCF-style: chr7-6043316-AT-A.
Other names: c.35+286del (NM_001322008.2, NM_001322007.2); c.-53+4del (NM_001322010.2, NM_001322004.2, NM_001322013.2 and 3 more transcripts); c.-532+4del (NM_001322012.2, NM_001322011.2); c.-132+4del (NM_001322015.2); c.353+4del (NM_001322006.2, NM_001322014.2).
Identifiers: ClinVar variation 1026104 (VCV001026104.7), dbSNP rs1785360310, ClinGen allele CA1685261680.
Genomic context (GRCh38, chr7:6,003,685, plus strand): 5'-TTCCAATTAATTTTCAGAGAGGTTTCTCTAAGGGGTCAAGTGAGTGGATAAAAATATTGT[AT>A]CACCTCAGTGCACAAAGTGAGCTCAGAGCTTCCCCCCGAAAGCCAAAAGTTTCAACCTGA-3'